The following is an entry in ClinVar:

ClinVar aggregate classification (germline): Pathogenic (1 of 4 stars; one submission).

Conditions:
Familial adenomatous polyposis 1 (FAP1). Also called: FAMILIAL ADENOMATOUS POLYPOSIS 1, ATTENUATED; POLYPOSIS, ADENOMATOUS INTESTINAL. Identifiers: MedGen C2713442, MONDO:0021056, OMIM 175100. Disease mechanism: loss of function.

Submission:

Labcorp Genetics (formerly Invitae), Labcorp
Classification: Pathogenic for Familial adenomatous polyposis 1. Last evaluated: 2019-05-05. Review status: criteria provided, single submitter. Criteria: Invitae Variant Classification Sherloc (09022015). Collection method: clinical testing. Allele origin: germline.
Comment: This variant is expected to disrupt the EB1 and HDLG binding sites, which mediate interactions with the cytoskeleton (PMID: 15311282, 17293347). While functional studies have not been performed to directly test the effect on APC protein function, this suggests that disruption of the C-terminal portion of the protein is functionally important. For these reasons, this variant has been classified as Pathogenic. A different truncation (p.Tyr2645Lysfs*14) that lies downstream of this variant has been determined to be pathogenic (PMID: 9824584, 1316610, 27081525, 8381579, 22135120, Invitae). This suggests that deletion of this region of the APC protein is causative of disease. This variant has not been reported in the literature in individuals with APC-related conditions. This variant is not present in population databases (ExAC no frequency). This sequence change results in a premature translational stop signal in the APC gene (p.Cys914Trpfs*2). While this is not anticipated to result in nonsense mediated decay, it is expected to disrupt the last 1,930 amino acids of the APC protein.

Literature cited by the submitters: PubMed 15311282; PubMed 17293347; PubMed 9824584; PubMed 1316610; PubMed 27081525; PubMed 8381579; PubMed 22135120.

NM_000038.6(APC):c.2742del (p.Cys914fs)

Gene: APC (APC regulator of Wnt signaling pathway; plus strand). Cytogenetic location: 5q22.2.
Variant type: Deletion.
Coding change: c.2742del on transcript NM_000038.6 (MANE Select); coding-DNA position 2742, one base deleted (T; older notation c.2742delT).
Protein change: p.Cys914fs; shifts the reading frame from cysteine 914.
Molecular consequence: frameshift variant.
Genome position (GRCh38, 1-based): chr5:112,838,336, T deleted. VCF-style (leftmost placement, unchanged base first): chr5-112838335-GT-G. GRCh37 (hg19) VCF-style: chr5-112174032-GT-G.
Other names: c.2742del, p.Cys914fs (NM_001127510.3, NM_001354895.2); c.2688del, p.Cys896fs (NM_001127511.3); c.2796del, p.Cys932fs (NM_001354896.2); c.2772del, p.Cys924fs (NM_001354897.2); c.2667del, p.Cys889fs (NM_001354898.2); c.2658del, p.Cys886fs (NM_001354899.2); c.2619del, p.Cys873fs (NM_001354900.2); c.2565del, p.Cys855fs (NM_001354901.2); and 5 more; short protein forms C631fs, C754fs, C823fs, C873fs, C924fs, C932fs, C788fs, C889fs.
Identifiers: ClinVar variation 949058 (VCV000949058.11), dbSNP rs1765254720, ClinGen allele CA1139655917.